The following is an entry in ClinVar:

ClinVar aggregate classification (germline): Uncertain significance. Review status: criteria provided, multiple submitters, no conflicts (2 of 4 stars). 2 submissions from 2 submitters: Uncertain significance (2). Last evaluated 2025-10-06.

Conditions:
Inborn genetic diseases. Identifiers: MedGen C0950123, MeSH D030342.

Allele frequency attached by ClinVar (database versions not stated): gnomAD 0.00001; ExAC 0.00002.
gnomAD v4.1: 17 of 1,611,874 alleles (0.0011%); highest among the groups gnomAD compares: South Asian, 0.0022%; no homozygotes.

Submissions (2):

Ambry Genetics
Classification: Uncertain significance for Inborn genetic diseases. Last evaluated: 2025-10-06. Review status: criteria provided, single submitter. Criteria: Ambry Variant Classification Scheme 2023. Collection method: clinical testing. Allele origin: germline.

Labcorp Genetics (formerly Invitae), Labcorp
Classification: Uncertain significance. Last evaluated: 2025-06-22. Review status: criteria provided, single submitter. Criteria: Invitae Variant Classification Sherloc (09022015). Collection method: clinical testing. Allele origin: germline.
Comment: This sequence change replaces asparagine, which is neutral and polar, with serine, which is neutral and polar, at codon 1062 of the AP3D1 protein (p.Asn1062Ser). This variant is present in population databases (rs762694144, gnomAD 0.003%). This variant has not been reported in the literature in individuals affected with AP3D1-related conditions. ClinVar contains an entry for this variant (Variation ID: 2592696). An algorithm developed to predict the effect of missense changes on protein structure and function (PolyPhen-2) suggests that this variant is likely to be tolerated. In summary, the available evidence is currently insufficient to determine the role of this variant in disease. Therefore, it has been classified as a Variant of Uncertain Significance.

NM_001261826.3(AP3D1):c.3185A>G (p.Asn1062Ser)

Gene: AP3D1 (adaptor related protein complex 3 subunit delta 1; minus strand). Cytogenetic location: 19p13.3.
Variant type: single nucleotide variant.
Coding change: c.3185A>G on transcript NM_001261826.3 (MANE Select); coding-DNA position 3185, A replaced by G.
Protein change: p.Asn1062Ser; replaces asparagine 1062 with serine.
Molecular consequence: missense variant.
Genome position (GRCh38, 1-based): chr19:2,110,215, T>C on the plus strand (A>G on the coding strand, the complement: AP3D1 is on the minus strand). VCF-style: chr19-2110215-T-C. GRCh37 (hg19) VCF-style: chr19-2110214-T-C.
Other names: c.3149A>G, p.Asn1050Ser (NM_001374799.1); c.2999A>G, p.Asn1000Ser (NM_003938.8); short protein forms N1000S, N1050S, N1062S.
Identifiers: ClinVar variation 2592696 (VCV002592696.6), dbSNP rs762694144, ClinGen allele CA9058517.
Genomic context (GRCh38, chr19:2,110,215, plus strand): 5'-GTCCCCTTGAGCTTCTGCGCCATGACGATGCTCTGGATGGTGAACACATACTGGGCTTCG[T>C]TGGAGACGCCTGGCGGGGGCGAGAGGGAGTGGGGCCTGAGACGCTGCGGGGGCTCAGCAT-3'
Protein context (NP_001248755.1, residues 1052-1072): VPFQLPPGVS[Asn1062Ser]EAQYVFTIQS